The following is an entry in ClinVar:

ClinVar aggregate classification (germline): Uncertain significance (1 of 4 stars; one submission).

Conditions:
Atypical hemolytic-uremic syndrome. Identifiers: Orphanet 2134, MedGen C2931788, MONDO:0016244.

Submission:

Genomenon, Inc
Classification: Uncertain significance for Atypical hemolytic-uremic syndrome. Last evaluated: 2025-09-26. Review status: criteria provided, single submitter. Criteria: Genomenon Sequence Variant Interpretation Standards - Updated. Collection method: curation. Allele origin: germline. Affected: yes.
Comment: DGKE p.Cys264Ser (c.791G>C) is a missense variant that changes the amino acid at residue 264 from Cysteine to Serine. This variant has been observed in at least one proband affected with atypical hemolytic-uremic syndrome (PMID:29610995). It is absent or not present at a significant frequency in gnomAD. In conclusion, we classify DGKE p.Cys264Ser (c.791G>C) as a variant of uncertain significance.

Literature cited by the submitters: PubMed 29610995.

NM_003647.3(DGKE):c.791G>C (p.Cys264Ser)

Gene: DGKE (diacylglycerol kinase epsilon; plus strand). Cytogenetic location: 17q22.
Variant type: single nucleotide variant.
Coding change: c.791G>C on transcript NM_003647.3 (MANE Select); coding-DNA position 791, G replaced by C.
Protein change: p.Cys264Ser; replaces cysteine 264 with serine.
Molecular consequence: missense variant.
Genome position (GRCh38, 1-based): chr17:56,847,968, G>C. VCF-style: chr17-56847968-G-C. GRCh37 (hg19) VCF-style: chr17-54925329-G-C.
Other names: short protein forms C264S.
Identifiers: ClinVar variation 4280364 (VCV004280364.1).
Genomic context (GRCh38, chr17:56,847,968, plus strand): 5'-TCTTTTGTTTCTAGGTTTTTGATGTAACTAAAACTCCTCCTATCAAAGCCCTACAACTCT[G>C]TACTCTTCTCCCATATTATTCAGCTCGAGTACTTGTTTGTGGAGGGGATGGGACTGTAGG-3'
Protein context (NP_003638.1, residues 254-274): KTPPIKALQL[Cys264Ser]TLLPYYSARV